The following is an entry in ClinVar:

ClinVar aggregate classification (germline): Uncertain significance (1 of 4 stars; one submission).

Submission:

Dasa
Classification: Uncertain significance. Last evaluated: 2025-09-19. Review status: criteria provided, single submitter. Criteria: DASA Assertion Criteria. Collection method: clinical testing. Allele origin: germline.
Comment: NM_015267.4(CUX2):c.3245T>G (p.Val1082Gly) is a missense variant that results in the substitution of valine with glycine. This variant is absent from population databases. Computational prediction algorithms are consistent with a deleterious effect. The currently available literature and clinical evidence are not sufficient to establish a definitive association between this variant and the reported condition. Therefore, this variant is classified as a variant of uncertain significance.

NM_015267.4(CUX2):c.3245T>G (p.Val1082Gly)

Gene: CUX2 (cut like homeobox 2; plus strand). Cytogenetic location: 12q24.12.
Variant type: single nucleotide variant.
Coding change: c.3245T>G on transcript NM_015267.4 (MANE Select); coding-DNA position 3245, T replaced by G.
Protein change: p.Val1082Gly; replaces valine 1082 with glycine.
Molecular consequence: missense variant.
Genome position (GRCh38, 1-based): chr12:111,338,334, T>G. VCF-style: chr12-111338334-T-G. GRCh37 (hg19) VCF-style: chr12-111776138-T-G.
Other names: c.3059T>G, p.Val1020Gly (NM_001370598.1); short protein forms V1020G, V1082G.
Identifiers: ClinVar variation 4885753 (VCV004885753.2).